The following is an entry in ClinVar:

NM_003072.5(SMARCA4):c.4871C>A (p.Pro1624Gln)

Gene: SMARCA4 (SWI/SNF related BAF chromatin remodeling complex subunit ATPase 4; plus strand). Cytogenetic location: 19p13.2.
Variant type: single nucleotide variant.
Coding change: c.4871C>A on transcript NM_003072.5 (MANE Select); coding-DNA position 4871, C replaced by A.
Protein change: p.Pro1624Gln; replaces proline 1624 with glutamine.
Molecular consequence: missense variant. On other transcripts: non-coding transcript variant (1).
Genome position (GRCh38, 1-based): chr19:11,060,147, C>A. VCF-style: chr19-11060147-C-A. GRCh37 (hg19) VCF-style: chr19-11170823-C-A.
Other names: c.4778C>A, p.Pro1593Gln (NM_001128846.2); c.4772C>A, p.Pro1591Gln (NM_001128847.4, NM_001374457.1); c.4769C>A, p.Pro1590Gln (NM_001128848.2); c.4967C>A, p.Pro1656Gln (NM_001128849.3, NM_001387283.1); c.4871C>A, p.Pro1624Gln (NM_001128844.3); c.4781C>A, p.Pro1594Gln (NM_001128845.2); short protein forms P1591Q, P1593Q, P1624Q, P1656Q, P1594Q, P1590Q.
Identifiers: ClinVar variation 1043518 (VCV001043518.11), dbSNP rs756255060, ClinGen allele CA404080821.

ClinVar aggregate classification (germline): Uncertain significance. Review status: criteria provided, multiple submitters, no conflicts (2 of 4 stars). 2 submissions from 2 submitters: Uncertain significance (2). Last evaluated 2022-06-10.

Conditions:
Hereditary cancer-predisposing syndrome. Also called: Hereditary Cancer Syndrome; Tumor predisposition; Hereditary neoplastic syndrome; Neoplastic Syndromes, Hereditary. Identifiers: Orphanet 140162, MedGen C0027672, MeSH D009386, MONDO:0015356.
Rhabdoid tumor predisposition syndrome 2 (RTPS2). Identifiers: Orphanet 231108, Orphanet 69077, MedGen C2750074, MONDO:0013224, OMIM 613325.

Submissions (2):

Ambry Genetics
Classification: Uncertain significance for Hereditary cancer-predisposing syndrome. Last evaluated: 2022-06-10. Review status: criteria provided, single submitter. Criteria: Ambry Variant Classification Scheme 2023. Collection method: clinical testing. Allele origin: germline.
Comment: The p.P1656Q variant (also known as c.4967C>A), located in coding exon 34 of the SMARCA4 gene, results from a C to A substitution at nucleotide position 4967. The proline at codon 1656 is replaced by glutamine, an amino acid with similar properties. This amino acid position is highly conserved in available vertebrate species. In addition, the in silico prediction for this alteration is inconclusive. Missense and in-frame variants in SMARCA4 are known to cause neurodevelopmental disorders; however, such associations with rhabdoid tumor predisposition syndrome including small cell carcinoma of the ovary-hypercalcemic type (SCCOHT) are exceedingly rare (Kosho T et al. Am J Med Genet C Semin Med Genet. 2014 Sep;166C(3):262-75; Jelinic P et al. Nat Genet. 2014 May;46(5):424-6). Since supporting evidence is limited at this time, the clinical significance of this alteration remains unclear.

Labcorp Genetics (formerly Invitae), Labcorp
Classification: Uncertain significance for Rhabdoid tumor predisposition syndrome 2. Last evaluated: 2020-06-21. Review status: criteria provided, single submitter. Criteria: Invitae Variant Classification Sherloc (09022015). Collection method: clinical testing. Allele origin: germline.
Comment: Algorithms developed to predict the effect of missense changes on protein structure and function (SIFT, PolyPhen-2, Align-GVGD) all suggest that this variant is likely to be disruptive, but these predictions have not been confirmed by published functional studies and their clinical significance is uncertain. This sequence change replaces proline with glutamine at codon 1656 of the SMARCA4 protein (p.Pro1656Gln). The proline residue is highly conserved and there is a moderate physicochemical difference between proline and glutamine. This variant is not present in population databases (ExAC no frequency). This variant has not been reported in the literature in individuals with SMARCA4-related conditions. In summary, the available evidence is currently insufficient to determine the role of this variant in disease. Therefore, it has been classified as a Variant of Uncertain Significance.